The following is an entry in ClinVar:

ClinVar aggregate classification (germline): Uncertain significance (1 of 4 stars; one submission).

Submission:

New York Genome Center
Classification: Uncertain significance. Last evaluated: 2021-05-21. Review status: criteria provided, single submitter. Criteria: NYGC Assertion Criteria 2020. Collection method: clinical testing. Allele origin: inherited. Observed: 1 variant allele. Study: CSER-NYCKidSeq.
Comment: The inherited Chr20:62941782_63658260dup is an approximately 716.5KB duplication at 20q13.33. This duplication contains 32 genes, 18 of which are OMIM associated including the partial duplication of the RTEL1 gene. Of these OMIM associated genes, 4 are associated with disease phenotypes including SLC17A9 (Porokeratosis 8, disseminated superficial actinic type; AD, MIM#616063), CHRNA4(Epilepsy, nocturnal frontal lobe, 1; AD, MIM#600513), KCNQ2 (Developmental and epileptic encephalopathy 7; AD, MIM#613720, Myokymia; AD, MIM#121200,Seizures, benign neonatal, 1; AD, MIM#121200), and RTEL1 (Dyskeratosis congenita, autosomal dominant 4; AD,AR, MIM#615190, Dyskeratosis congenita, autosomalrecessive 5; AD, AR, MIM#615190; Pulmonary fibrosis and/or bone marrow failure, telomere-related, 3; AD, MIM#616373). This copy number variant is absent from population databases gnomAD(v2.1.1) and the Database of Genomic Variants (DGV). This variant is absent from ClinVar, and to our current knowledge this exact copy number gain has not been reported in affected individuals in the literature. While a similar reciprocal 20q13.33 deletion has been observed in individuals with developmental delays and seizures [PMID:25052858, 26030193, others], a duplication in this region similar to the one identified here has not been described to our current knowledge. Given the lack of compelling evidence for its pathogenicity, the inherited Chr20:62941782_63658260dup is reported as a Variant of Uncertain Significance.

Single allele

Genes: ARFGAP1 (ADP ribosylation factor GTPase activating protein 1; plus strand), BHLHE23 (basic helix-loop-helix family member e23; minus strand), BIRC7 (baculoviral IAP repeat containing 7; plus strand), CHRNA4 (cholinergic receptor nicotinic alpha 4 subunit; minus strand), COL20A1 (collagen type XX alpha 1 chain; plus strand) and 99 more. Cytogenetic location: 20q13.33.
Variant type: Duplication.
Identifiers: ClinVar variation 1696472 (VCV001696472.1).